The following is an entry in ClinVar:

NM_000138.5(FBN1):c.6872A>T (p.Asp2291Val)

Gene: FBN1 (fibrillin 1; minus strand). Cytogenetic location: 15q21.1.
Variant type: single nucleotide variant.
Coding change: c.6872A>T on transcript NM_000138.5 (MANE Select); coding-DNA position 6872, A replaced by T.
Protein change: p.Asp2291Val; replaces aspartic acid 2291 with valine.
Molecular consequence: missense variant.
Genome position (GRCh38, 1-based): chr15:48,428,471, T>A on the plus strand (A>T on the coding strand, the complement: FBN1 is on the minus strand). VCF-style: chr15-48428471-T-A. GRCh37 (hg19) VCF-style: chr15-48720668-T-A.
Other names: c.6872A>T, p.Asp2291Val (NM_001406716.1); short protein forms D2291V.
Identifiers: ClinVar variation 4871220 (VCV004871220.1).

ClinVar aggregate classification (germline): Uncertain significance (1 of 4 stars; one submission).

Conditions:
Familial thoracic aortic aneurysm and aortic dissection (TAAD). Also called: Thoracic aortic aneurysms and dissections. Identifiers: Orphanet 91387, MedGen C4707243, MONDO:0019625.

gnomAD v4.1: 1 of 1,613,914 alleles (0.000062%); highest among the groups gnomAD compares: African/African-American, 0.0013%; no homozygotes.

Submission:

Ambry Genetics
Classification: Uncertain significance for Familial thoracic aortic aneurysm and aortic dissection. Last evaluated: 2026-03-24. Review status: criteria provided, single submitter. Criteria: Ambry Variant Classification Scheme 2023. Collection method: clinical testing. Allele origin: germline.
Comment: The p.D2291V variant (also known as c.6872A>T) is located in coding exon 56 of the FBN1 gene. The aspartic acid at codon 2291 is replaced by valine, an amino acid with highly dissimilar properties. This change occurs in the first base pair of coding exon 56. This variant alters a conserved residue in the calcium-binding consensus sequence of a cbEGF domain and is expected to disrupt FBN1 function (Handford PA et al. Nature. 1991; 351(6322):164-7). This amino acid position is highly conserved in available vertebrate species. In addition, this alteration is predicted to be deleterious by in silico analysis. Based on the available evidence, the clinical significance of this variant remains unclear.

Literature cited by the submitters: PubMed 31506931.